The following is an entry in ClinVar:

ClinVar aggregate classification (germline): Likely benign (1 of 4 stars; one submission).

Allele frequency attached by ClinVar (database versions not stated): gnomAD exomes below 0.00001.
gnomAD v4.1: 2 of 1,614,244 alleles (0.00012%); highest among the groups gnomAD compares: Non-Finnish European, 0.000085%; no homozygotes.

Submission:

CeGaT Center for Human Genetics Tuebingen
Classification: Likely benign. Last evaluated: 2024-04-01. Review status: criteria provided, single submitter. Criteria: CeGaT Center For Human Genetics Tuebingen Variant Classification Criteria Version 2. Collection method: clinical testing. Allele origin: germline. Affected: yes. Observed: 1 variant allele.
Comment: AGO2: PM2:Supporting, BP4, BP7

NM_012154.5(AGO2):c.2229C>T (p.Pro743=)

Gene: AGO2 (argonaute RISC catalytic component 2; minus strand). Cytogenetic location: 8q24.3.
Variant type: single nucleotide variant.
Coding change: c.2229C>T on transcript NM_012154.5 (MANE Select); coding-DNA position 2229, C replaced by T.
Protein change: p.Pro743=; no amino-acid change (proline 743 retained).
Molecular consequence: synonymous variant. On other transcripts: intron variant (1).
Genome position (GRCh38, 1-based): chr8:140,535,510, G>A on the plus strand (C>T on the coding strand, the complement: AGO2 is on the minus strand). VCF-style: chr8-140535510-G-A. GRCh37 (hg19) VCF-style: chr8-141545609-G-A.
Other names: c.2170-2895C>T (NM_001164623.3).
Identifiers: ClinVar variation 3234530 (VCV003234530.20), dbSNP rs2540679744, ClinGen allele CA463242313.
Genomic context (GRCh38, chr8:140,535,510, plus strand): 5'-GGGGACTCCCGGCCTTACCTGGATGCCAGCGTGACTACACAGGTAGAAGTCGAACTCGGT[G>A]GGGTGGGTGATTTTCGTGTCCACAGTCGTGCCTGCTGGAATGTTTCCACTTTTCCCAACC-3'
Protein context (NP_036286.2, residues 733-753): GTTVDTKITH[Pro743=]TEFDFYLCSH